The following is an entry in ClinVar:

ClinVar aggregate classification (germline): Uncertain significance (1 of 4 stars; one submission).

Submission:

Ambry Genetics
Classification: Uncertain significance. Last evaluated: 2024-10-05. Review status: criteria provided, single submitter. Criteria: Ambry Variant Classification Scheme 2023. Collection method: clinical testing. Allele origin: germline.
Comment: The p.T3797I variant (also known as c.11390C>T), located in coding exon 79 of the PRKDC gene, results from a C to T substitution at nucleotide position 11390. The threonine at codon 3797 is replaced by isoleucine, an amino acid with similar properties. This amino acid position is conserved. Based on the available evidence, the clinical significance of this variant remains unclear.

NM_006904.7(PRKDC):c.11390C>T (p.Thr3797Ile)

Gene: PRKDC (protein kinase, DNA-activated, catalytic subunit; minus strand). Cytogenetic location: 8q11.21.
Variant type: single nucleotide variant.
Coding change: c.11390C>T on transcript NM_006904.7 (MANE Select); coding-DNA position 11390, C replaced by T.
Protein change: p.Thr3797Ile; replaces threonine 3797 with isoleucine.
Molecular consequence: missense variant.
Genome position (GRCh38, 1-based): chr8:47,782,384, G>A on the plus strand (C>T on the coding strand, the complement: PRKDC is on the minus strand). VCF-style: chr8-47782384-G-A. GRCh37 (hg19) VCF-style: chr8-48694945-G-A.
Other names: c.11390C>T, p.Thr3797Ile (NM_001081640.2); short protein forms T3797I.
Identifiers: ClinVar variation 3425347 (VCV003425347.1).